The following is an entry in ClinVar:

NM_001130438.3(SPTAN1):c.1154A>G (p.Asn385Ser)

Gene: SPTAN1 (spectrin alpha, non-erythrocytic 1; plus strand). Cytogenetic location: 9q34.11.
Variant type: single nucleotide variant.
Coding change: c.1154A>G on transcript NM_001130438.3 (MANE Select); coding-DNA position 1154, A replaced by G.
Protein change: p.Asn385Ser; replaces asparagine 385 with serine.
Molecular consequence: missense variant.
Genome position (GRCh38, 1-based): chr9:128,578,178, A>G. VCF-style: chr9-128578178-A-G. GRCh37 (hg19) VCF-style: chr9-131340457-A-G.
Other names: p.N385S:AAT>AGT; c.1154A>G, p.Asn385Ser (NM_001195532.2, NM_001363759.2, NM_001363765.2 and 1 more transcripts); short protein forms N385S.
Identifiers: ClinVar variation 207261 (VCV000207261.15), dbSNP rs2227863, ClinGen allele CA318562.

ClinVar aggregate classification (germline): Conflicting classifications of pathogenicity. Review status: criteria provided, conflicting classifications (1 of 4 stars). 4 submissions from 4 submitters: Uncertain significance (1); Benign (1); Likely benign (2). Last evaluated 2025-11-12.

Conditions:
Early-infantile DEE. Also called: Ohtahara syndrome; Early infantile epileptic encephalopathy; Early infantile epileptic encephalopathy with suppression bursts. Identifiers: Orphanet 1934, MedGen C0393706, MONDO:0800491.
Inborn genetic diseases. Identifiers: MedGen C0950123, MeSH D030342.
Developmental and epileptic encephalopathy, 5 (DEE5). Identifiers: Orphanet 3451, MedGen C3150731, MONDO:0013277, OMIM 613477.

Allele frequency attached by ClinVar (database versions not stated): gnomAD exomes 0.00002 and 0.00005; ExAC 0.00005; gnomAD 0.00008 and 0.00009; ESP Exome Variant Server 0.00008; TOPMed 0.00010.
gnomAD v4.1: 51 of 1,614,118 alleles (0.0032%); highest among the groups gnomAD compares: African/African-American, 0.029%; no homozygotes.

Submissions (4):

Labcorp Genetics (formerly Invitae), Labcorp
Classification: Uncertain significance for Early-infantile DEE. Last evaluated: 2025-11-12. Review status: criteria provided, single submitter. Criteria: Invitae Variant Classification Sherloc (09022015). Collection method: clinical testing. Allele origin: germline.
Comment: This sequence change replaces asparagine, which is neutral and polar, with serine, which is neutral and polar, at codon 385 of the SPTAN1 protein (p.Asn385Ser). This variant is present in population databases (rs2227863, gnomAD 0.05%), and has an allele count higher than expected for a pathogenic variant. This variant has not been reported in the literature in individuals affected with SPTAN1-related conditions. ClinVar contains an entry for this variant (Variation ID: 207261). An algorithm developed to predict the effect of missense changes on protein structure and function outputs the following: PolyPhen-2: "Benign". The serine amino acid residue is found in multiple mammalian species, which suggests that this missense change does not adversely affect protein function. In summary, the available evidence is currently insufficient to determine the role of this variant in disease. Therefore, it has been classified as a Variant of Uncertain Significance.

Genome-Nilou Lab
Classification: Likely benign for Developmental and epileptic encephalopathy, 5. Last evaluated: 2021-07-15. Review status: criteria provided, single submitter. Criteria: ACMG Guidelines, 2015. Collection method: clinical testing. Allele origin: germline. Affected: no.

Ambry Genetics
Classification: Benign for Inborn genetic diseases. Last evaluated: 2019-07-31. Review status: criteria provided, single submitter. Criteria: Ambry Variant Classification Scheme 2023. Collection method: clinical testing. Allele origin: germline.

GeneDx
Classification: Likely benign. Last evaluated: 2018-02-09. Review status: criteria provided, single submitter. Criteria: GeneDx Variant Classification (06012015). Collection method: clinical testing. Allele origin: germline. Affected: yes.
Comment: This variant is considered likely benign or benign based on one or more of the following criteria: it is a conservative change, it occurs at a poorly conserved position in the protein, it is predicted to be benign by multiple in silico algorithms, and/or has population frequency not consistent with disease.